The following is an entry in ClinVar:

ClinVar aggregate classification (germline): Likely pathogenic (1 of 4 stars; one submission).

Conditions:
Inborn genetic diseases. Identifiers: MedGen C0950123, MeSH D030342.

Submission:

Ambry Genetics
Classification: Likely pathogenic for Inborn genetic diseases. Last evaluated: 2023-11-16. Review status: criteria provided, single submitter. Criteria: Ambry Variant Classification Scheme 2023. Collection method: clinical testing. Allele origin: germline.
Comment: The c.2037+3A>C intronic alteration results from a A to C substitution 3 nucleotides after coding exon 15 in the CNOT3 gene. This variant was not reported in population-based cohorts in the Genome Aggregation Database (gnomAD). This nucleotide position is highly conserved in available vertebrate species. In silico splice site analysis predicts that this alteration will weaken the native splice donor site. Based on the available evidence, this alteration is classified as likely pathogenic.

NM_014516.4(CNOT3):c.2037+3A>C

Gene: CNOT3 (CCR4-NOT transcription complex subunit 3; plus strand). Cytogenetic location: 19q13.42.
Variant type: single nucleotide variant.
Coding change: c.2037+3A>C on transcript NM_014516.4 (MANE Select); 3 bases into the intron after coding-DNA position 2037, A replaced by C.
Molecular consequence: intron variant.
Genome position (GRCh38, 1-based): chr19:54,153,002, A>C. VCF-style: chr19-54153002-A-C. GRCh37 (hg19) VCF-style: chr19-54656739-A-C.
Identifiers: ClinVar variation 3146618 (VCV003146618.1), dbSNP rs2514263759, ClinGen allele CA2825002820.
Genomic context (GRCh38, chr19:54,153,002, plus strand): 5'-GGAATTCTACCAGCGCCTGTCGACCGAGACACTCTTCTTCATCTTCTACTATCTGGAGGT[A>C]CAGCAGGGCCCCCGGGGCAGCCTCGGGCCCCCCGGCTTCGCCGCCACCGCCGCCGTCCCC-3'